The following is an entry in ClinVar:

ClinVar aggregate classification (germline): Uncertain significance (1 of 4 stars; one submission).

Submission:

Labcorp Genetics (formerly Invitae), Labcorp
Classification: Uncertain significance. Last evaluated: 2021-06-12. Review status: criteria provided, single submitter. Criteria: Invitae Variant Classification Sherloc (09022015). Collection method: clinical testing. Allele origin: germline.
Comment: In summary, the available evidence is currently insufficient to determine the role of this variant in disease. Therefore, it has been classified as a Variant of Uncertain Significance. Algorithms developed to predict the effect of missense changes on protein structure and function are either unavailable or do not agree on the potential impact of this missense change (SIFT: "Deleterious"; PolyPhen-2: "Probably Damaging"; Align-GVGD: "Class C0"). This sequence change replaces glycine with alanine at codon 147 of the POLE protein (p.Gly147Ala). The glycine residue is highly conserved and there is a small physicochemical difference between glycine and alanine. This variant is not present in population databases (ExAC no frequency). This variant has not been reported in the literature in individuals with POLE-related conditions.

NM_006231.4(POLE):c.440G>C (p.Gly147Ala)

Gene: POLE (DNA polymerase epsilon, catalytic subunit; minus strand). Cytogenetic location: 12q24.33.
Variant type: single nucleotide variant.
Coding change: c.440G>C on transcript NM_006231.4 (MANE Select); coding-DNA position 440, G replaced by C.
Protein change: p.Gly147Ala; replaces glycine 147 with alanine.
Molecular consequence: missense variant.
Genome position (GRCh38, 1-based): chr12:132,679,635, C>G on the plus strand (G>C on the coding strand, the complement: POLE is on the minus strand). VCF-style: chr12-132679635-C-G. GRCh37 (hg19) VCF-style: chr12-133256221-C-G.
Other names: short protein forms G147A.
Identifiers: ClinVar variation 1360446 (VCV001360446.8), dbSNP rs377573501, ClinGen allele CA387367582.